The following is an entry in ClinVar:

ClinVar aggregate classification (germline): Uncertain significance (1 of 4 stars; one submission).

Submission:

Labcorp Genetics (formerly Invitae), Labcorp
Classification: Uncertain significance. Last evaluated: 2024-12-07. Review status: criteria provided, single submitter. Criteria: Invitae Variant Classification Sherloc (09022015). Collection method: clinical testing. Allele origin: germline.
Comment: This sequence change falls in intron 22 of the MTOR gene. It does not directly change the encoded amino acid sequence of the MTOR protein. This variant is not present in population databases (gnomAD no frequency). This variant has not been reported in the literature in individuals affected with MTOR-related conditions. Algorithms developed to predict the effect of sequence changes on RNA splicing suggest that this variant may disrupt the consensus splice site. In summary, the available evidence is currently insufficient to determine the role of this variant in disease. Therefore, it has been classified as a Variant of Uncertain Significance.

NM_004958.4(MTOR):c.3399-8T>G

Gene: MTOR (mechanistic target of rapamycin kinase; minus strand). Cytogenetic location: 1p36.22.
Variant type: single nucleotide variant.
Coding change: c.3399-8T>G on transcript NM_004958.4 (MANE Select); 8 bases into the intron before coding-DNA position 3399, T replaced by G.
Molecular consequence: intron variant.
Genome position (GRCh38, 1-based): chr1:11,212,482, A>C on the plus strand (T>G on the coding strand, the complement: MTOR is on the minus strand). VCF-style: chr1-11212482-A-C. GRCh37 (hg19) VCF-style: chr1-11272539-A-C.
Other names: c.2151-8T>G (NM_001386501.1); c.3399-8T>G (NM_001386500.1).
Identifiers: ClinVar variation 3700653 (VCV003700653.2).